The following is an entry in ClinVar:

ClinVar aggregate classification (germline): Uncertain significance (1 of 4 stars; one submission).

Conditions:
Gorlin syndrome. Also called: Basal cell nevus syndrome; Nevoid Basal Cell Carcinoma Syndrome. Identifiers: Orphanet 377, MedGen C0004779, MONDO:0007187.

Submission:

Labcorp Genetics (formerly Invitae), Labcorp
Classification: Uncertain significance for Gorlin syndrome. Last evaluated: 2018-07-10. Review status: criteria provided, single submitter. Criteria: Invitae Variant Classification Sherloc (09022015). Collection method: clinical testing. Allele origin: germline.
Comment: In summary, the available evidence is currently insufficient to determine the role of this variant in disease. Therefore, it has been classified as a Variant of Uncertain Significance. The current clinical and genetic evidence is not sufficient to establish whether loss-of-function variants in PTCH2 cause disease. This variant has not been reported in the literature in individuals with PTCH2-related disease. This variant is present in population databases (rs756226400, ExAC 0.001%). This sequence change creates a premature translational stop signal (p.Ala131Serfs*14) in the PTCH2 gene. It is expected to result in an absent or disrupted protein product.

NM_003738.5(PTCH2):c.390dup (p.Ala131fs)

Gene: PTCH2 (patched 2; minus strand). Cytogenetic location: 1p34.1.
Variant type: Duplication.
Coding change: c.390dup on transcript NM_003738.5 (MANE Select); coding-DNA position 390, one base duplicated (A; older notation c.390dupA).
Protein change: p.Ala131fs; shifts the reading frame from alanine 131.
Molecular consequence: frameshift variant.
Genome position (GRCh38, 1-based): chr1:44,832,217, T duplicated on the plus strand (A on the coding strand, the reverse complement: PTCH2 is on the minus strand); the first of 2 consecutive T bases (chr1:44,832,217-44,832,218); duplicating either gives the same sequence. VCF-style (leftmost placement, unchanged base first): chr1-44832216-C-CT. GRCh37 (hg19) VCF-style: chr1-45297888-C-CT.
Other names: c.390dup, p.Ala131fs (NM_001166292.2); short protein forms A131fs.
Identifiers: ClinVar variation 652699 (VCV000652699.7), dbSNP rs756226400, ClinGen allele CA823652.